The following is an entry in ClinVar:

ClinVar aggregate classification (germline): Uncertain significance. Review status: criteria provided, multiple submitters, no conflicts (2 of 4 stars). 2 submissions from 2 submitters: Uncertain significance (2). Last evaluated 2023-10-03.

Conditions:
Blepharophimosis - intellectual disability syndrome, MKB type. Also called: BLEPHAROPHIMOSIS-MENTAL RETARDATION SYNDROME, MAAT-KIEVIT-BRUNNER TYPE; Ohdo syndrome, X-linked; X-Linked Ohdo Syndrome (XLOS). Identifiers: Orphanet 293707, MedGen C3698541, MONDO:0010477, OMIM 300895.
X-linked intellectual disability with marfanoid habitus. Also called: X-linked mental retardation with marfanoid habitus syndrome; INTELLECTUAL DEVELOPMENTAL DISORDER, X-LINKED, SYNDROMIC, LUJAN-FRYNS TYPE; Lujan Syndrome (LS); Lujan Syndrome. Identifiers: Orphanet 776, MedGen C0796022, MONDO:0010655, OMIM 309520.
FG syndrome 1 (OKS). Also called: OPITZ-KAVEGGIA SYNDROME; KELLER SYNDROME; MENTAL RETARDATION, LARGE HEAD, IMPERFORATE ANUS, CONGENITAL HYPOTONIA, AND PARTIAL AGENESIS OF CORPUS CALLOSUM; FG Syndrome Type 1 (FGS1). Identifiers: Orphanet 93932, MedGen C5399762, MONDO:0010590, OMIM 305450.
FG syndrome (FGS). Identifiers: MedGen C0220769, MONDO:0002010.

Submissions (2):

Labcorp Genetics (formerly Invitae), Labcorp
Classification: Uncertain significance for FG syndrome. Last evaluated: 2023-10-03. Review status: criteria provided, single submitter. Criteria: Invitae Variant Classification Sherloc (09022015). Collection method: clinical testing. Allele origin: germline.
Comment: This sequence change replaces glutamine, which is neutral and polar, with glutamic acid, which is acidic and polar, at codon 1316 of the MED12 protein (p.Gln1316Glu). This variant is not present in population databases (gnomAD no frequency). This missense change has been observed in individual(s) with clinical features of MED12-related disease (PMID: 32371413, 36271811). ClinVar contains an entry for this variant (Variation ID: 973226). Advanced modeling of protein sequence and biophysical properties (such as structural, functional, and spatial information, amino acid conservation, physicochemical variation, residue mobility, and thermodynamic stability) performed at Invitae indicates that this missense variant is expected to disrupt MED12 protein function. In summary, the available evidence is currently insufficient to determine the role of this variant in disease. Therefore, it has been classified as a Variant of Uncertain Significance.

Institute for Genomic Medicine (IGM) Clinical Laboratory, Nationwide Children's Hospital
Classification: Uncertain significance for FG syndrome 1; X-linked intellectual disability with marfanoid habitus; Blepharophimosis - intellectual disability syndrome, MKB type. Last evaluated: 2018-01-19. Review status: criteria provided, single submitter. Criteria: ACMG Guidelines, 2015. Collection method: clinical testing. Allele origin: germline. Affected: yes.
Comment: [ACMG/AMP: PM2, PP3] This alteration is absent from or rarely observed in large-scale population databases [PM2], is predicted to be damaging by multiple functional prediction tools [PP3].

Literature cited by the submitters: PubMed 32371413 (cited by Labcorp Genetics (formerly Invitae), Labcorp); PubMed 36271811 (cited by Labcorp Genetics (formerly Invitae), Labcorp).

NM_005120.3(MED12):c.3946C>G (p.Gln1316Glu)

Gene: MED12 (mediator complex subunit 12; plus strand). Cytogenetic location: Xq13.1.
Variant type: single nucleotide variant.
Coding change: c.3946C>G on transcript NM_005120.3 (MANE Select); coding-DNA position 3946, C replaced by G.
Protein change: p.Gln1316Glu; replaces glutamine 1316 with glutamic acid.
Molecular consequence: missense variant.
Genome position (GRCh38, 1-based): chrX:71,130,113, C>G. VCF-style: chrX-71130113-C-G. GRCh37 (hg19) VCF-style: chrX-70349963-C-G.
Other names: short protein forms Q1316E.
Identifiers: ClinVar variation 973226 (VCV000973226.13), dbSNP rs2092313149, ClinGen allele CA413523272.